The following is an entry in ClinVar:

ClinVar aggregate classification (germline): Uncertain significance (1 of 4 stars; one submission).

Submission:

GeneDx
Classification: Uncertain significance. Last evaluated: 2025-03-11. Review status: criteria provided, single submitter. Criteria: GeneDx Variant Classification Process June 2021. Collection method: clinical testing. Allele origin: germline. Affected: yes.
Comment: Not observed at significant frequency in large population cohorts (gnomAD); In silico analysis supports that this missense variant has a deleterious effect on protein structure/function; Has not been previously published as pathogenic or benign to our knowledge

NM_001970.5(EIF5A):c.104G>T (p.Gly35Val)

Gene: EIF5A (eukaryotic translation initiation factor 5A; plus strand). Cytogenetic location: 17p13.1.
Variant type: single nucleotide variant.
Coding change: c.104G>T on transcript NM_001970.5 (MANE Select); coding-DNA position 104, G replaced by T.
Protein change: p.Gly35Val; replaces glycine 35 with valine.
Molecular consequence: missense variant.
Genome position (GRCh38, 1-based): chr17:7,309,739, G>T. VCF-style: chr17-7309739-G-T. GRCh37 (hg19) VCF-style: chr17-7213058-G-T.
Other names: c.194G>T, p.Gly65Val (NM_001143760.1); c.104G>T, p.Gly35Val (NM_001143761.1, NM_001143762.2, NM_001370420.1 and 1 more transcripts); short protein forms G35V, G65V.
Identifiers: ClinVar variation 4083043 (VCV004083043.1).